The following is an entry in ClinVar:

NM_152703.5(SAMD9L):c.2640C>A (p.His880Gln)

Gene: SAMD9L (sterile alpha motif domain containing 9 like; minus strand). Cytogenetic location: 7q21.2.
Variant type: single nucleotide variant.
Coding change: c.2640C>A on transcript NM_152703.5 (MANE Select); coding-DNA position 2640, C replaced by A.
Protein change: p.His880Gln; replaces histidine 880 with glutamine.
Molecular consequence: missense variant.
Genome position (GRCh38, 1-based): chr7:93,133,332, G>T on the plus strand (C>A on the coding strand, the complement: SAMD9L is on the minus strand). VCF-style: chr7-93133332-G-T. GRCh37 (hg19) VCF-style: chr7-92762645-G-T.
Other names: c.2640C>A, p.His880Gln (NM_001303496.3, NM_001303497.3, NM_001303498.3 and 5 more transcripts); short protein forms H880Q.
Identifiers: ClinVar variation 242372 (VCV000242372.10), dbSNP rs878855336, ClinGen allele CA10583998.

ClinVar aggregate classification (germline): Pathogenic. Review status: criteria provided, multiple submitters, no conflicts (2 of 4 stars). 7 submissions from 6 submitters: Pathogenic (2). 5 of the submissions do not count toward it. Last evaluated 2024-06-23.

Conditions:
SAMD9L-related disorder. Also called: SAMD9L-related condition; SAMD9L-related disorders.
Ataxia-pancytopenia syndrome (ATXPC). Also called: SAMD9L-Related Syndrome; SAMD9L Ataxia-Pancytopenia Syndrome. Identifiers: Orphanet 2585, MedGen C1327919, MONDO:0008038, OMIM 159550.
Monosomy 7 myelodysplasia and leukemia syndrome 1. Also called: Familial Mosaic Monosomy 7 Syndrome; Monosomy 7 of bone marrow; CHROMOSOME 7q DELETION. Identifiers: MedGen C1854978, MONDO:0009646, OMIM 252270.

Submissions (7):

Labcorp Genetics (formerly Invitae), Labcorp
Classification: Pathogenic. Last evaluated: 2024-06-23. Review status: criteria provided, single submitter. Criteria: Invitae Variant Classification Sherloc (09022015). Collection method: clinical testing. Allele origin: germline.
Comment: This sequence change replaces histidine, which is basic and polar, with glutamine, which is neutral and polar, at codon 880 of the SAMD9L protein (p.His880Gln). This variant is not present in population databases (gnomAD no frequency). This missense change has been observed in individual(s) with ataxia-pancytopenia syndrome (PMID: 27259050, 30046003). It has also been observed to segregate with disease in related individuals. ClinVar contains an entry for this variant (Variation ID: 242372). Advanced modeling of protein sequence and biophysical properties (such as structural, functional, and spatial information, amino acid conservation, physicochemical variation, residue mobility, and thermodynamic stability) has been performed at Invitae for this missense variant, however the output from this modeling did not meet the statistical confidence thresholds required to predict the impact of this variant on SAMD9L protein function. For these reasons, this variant has been classified as Pathogenic.

Blueprint Genetics
Classification: Pathogenic for SAMD9L-related disorders. Last evaluated: 2018-12-07. Review status: criteria provided, single submitter. Criteria: ACMG Guidelines, 2015. Collection method: clinical testing. Allele origin: germline. Affected: yes. Observed: 1 variant allele.

PreventionGenetics, part of Exact Sciences
Classification: Pathogenic for SAMD9L-related condition. Last evaluated: 2024-07-03. Review status: no assertion criteria provided. Collection method: clinical testing. Allele origin: germline. Not counted in ClinVar's aggregate classification.
Comment: The SAMD9L c.2640C>A variant is predicted to result in the amino acid substitution p.His880Gln. This variant has been reported in the heterozygous state in a family with ataxia-pancytopenia syndrome (ATXPC) (Chen et al. 2016. PubMed ID: 27259050). This variant has also been reported in individuals with myelodysplastic syndrome (MDS) or acute myeloid leukemia (AML) (Wong et al. 2018. PubMed ID: 30046003; Sahoo et al. 2021. PubMed ID: 34621053. Table S6; Allenspach et al. 2021. PubMed ID: 33724365). Functional studies showed that this variant affects the cell cycle progression (Wong et al. 2018. PubMed ID: 30046003; Allenspach et al. 2021. PubMed ID: 33724365). This variant has not been reported in a large population database, indicating this variant is rare. This variant is interpreted as pathogenic.

OMIM
Classification: Pathogenic for ATAXIA-PANCYTOPENIA SYNDROME. Last evaluated: 2020-12-10. Review status: no assertion criteria provided. Collection method: literature only. Allele origin: unknown. Not counted in ClinVar's aggregate classification.

OMIM
Classification: Pathogenic for MONOSOMY 7 MYELODYSPLASIA AND LEUKEMIA SYNDROME 1. Last evaluated: 2020-12-10. Review status: no assertion criteria provided. Collection method: literature only. Allele origin: unknown. Not counted in ClinVar's aggregate classification.

University of Washington Center for Mendelian Genomics, University of Washington
Classification: Likely pathogenic for Ataxia-pancytopenia syndrome. Last evaluated: 2016-06-06. Review status: no assertion criteria provided. Collection method: research. Allele origin: unknown. Affected: yes. Observed: 7 compound heterozygotes. Not counted in ClinVar's aggregate classification.

GeneReviews
No classification provided. Condition: Ataxia-pancytopenia syndrome. Review status: no classification provided. Collection method: literature only. Allele origin: germline. Not counted in ClinVar's aggregate classification.

Literature cited by the submitters: PubMed 27259050 (cited by 3 submitters); PubMed 30046003 (cited by Labcorp Genetics (formerly Invitae), Labcorp and OMIM); PubMed 2569483 (cited by OMIM); PubMed 28570036 (cited by GeneReviews).